The following is an entry in ClinVar:

NM_058216.3(RAD51C):c.527G>C (p.Cys176Ser)

Gene: RAD51C (RAD51 paralog C; plus strand). Cytogenetic location: 17q22.
Variant type: single nucleotide variant.
Coding change: c.527G>C on transcript NM_058216.3 (MANE Select); coding-DNA position 527, G replaced by C.
Protein change: p.Cys176Ser; replaces cysteine 176 with serine.
Molecular consequence: missense variant.
Genome position (GRCh38, 1-based): chr17:58,696,815, G>C. VCF-style: chr17-58696815-G-C. GRCh37 (hg19) VCF-style: chr17-56774176-G-C.
Other names: short protein forms C176S.
Identifiers: ClinVar variation 2625141 (VCV002625141.2), dbSNP rs2143748469, ClinGen allele CA400345165.

ClinVar aggregate classification (germline): Uncertain significance (1 of 4 stars; one submission).

Conditions:
Hereditary cancer-predisposing syndrome. Also called: Tumor predisposition; Hereditary Cancer Syndrome; Hereditary neoplastic syndrome; Neoplastic Syndromes, Hereditary. Identifiers: Orphanet 140162, MedGen C0027672, MeSH D009386, MONDO:0015356.

Submission:

Ambry Genetics
Classification: Uncertain significance for Hereditary cancer-predisposing syndrome. Last evaluated: 2023-08-26. Review status: criteria provided, single submitter. Criteria: Ambry Variant Classification Scheme 2023. Collection method: clinical testing. Allele origin: germline.
Comment: The p.C176S variant (also known as c.527G>C), located in coding exon 3 of the RAD51C gene, results from a G to C substitution at nucleotide position 527. The cysteine at codon 176 is replaced by serine, an amino acid with dissimilar properties. This amino acid position is conserved. In addition, the in silico prediction for this alteration is inconclusive. Since supporting evidence is limited at this time, the clinical significance of this alteration remains unclear.